The following is an entry in ClinVar:

ClinVar aggregate classification (germline): Conflicting classifications of pathogenicity. Review status: criteria provided, conflicting classifications (1 of 4 stars). 5 submissions from 5 submitters: Uncertain significance (4); Benign (1). Last evaluated 2026-01-09.

Conditions:
Inborn genetic diseases. Identifiers: MedGen C0950123, MeSH D030342.

Allele frequency attached by ClinVar (database versions not stated): TOPMed 0.00010.
gnomAD v4.1: 33 of 1,593,834 alleles (0.0021%); highest among the groups gnomAD compares: African/African-American, 0.043%; no homozygotes.

Submissions (5):

Labcorp Genetics (formerly Invitae), Labcorp
Classification: Benign. Last evaluated: 2026-01-09. Review status: criteria provided, single submitter. Criteria: Invitae Variant Classification Sherloc (09022015). Collection method: clinical testing. Allele origin: germline.

Ambry Genetics
Classification: Uncertain significance for Inborn genetic diseases. Last evaluated: 2025-09-21. Review status: criteria provided, single submitter. Criteria: Ambry Variant Classification Scheme 2023. Collection method: clinical testing. Allele origin: germline.

GeneDx
Classification: Uncertain significance. Last evaluated: 2023-08-31. Review status: criteria provided, single submitter. Criteria: GeneDx Variant Classification Process June 2021. Collection method: clinical testing. Allele origin: germline. Affected: yes.
Comment: In silico analysis supports that this missense variant has a deleterious effect on protein structure/function; Has not been previously published as pathogenic or benign to our knowledge

Mayo Clinic Laboratories, Mayo Clinic
Classification: Uncertain significance. Last evaluated: 2022-03-01. Review status: criteria provided, single submitter. Criteria: ACMG Guidelines, 2015. Collection method: clinical testing. Allele origin: germline. Observed: 1 variant allele.
Comment: PM2_supporting

Laboratory for Molecular Medicine, Mass General Brigham Personalized Medicine
Classification: Uncertain significance. Last evaluated: 2019-04-12. Review status: criteria provided, single submitter. Criteria: LMM Criteria. Collection method: clinical testing. Allele origin: germline. Observed: 1 variant allele.
Comment: The p.Pro1115Ser variant in COL11A2 has not been previously reported in individuals with hearing loss or other COL11A2-related disorders, but has been identified in 0.04% (10/21474) of African chromosomes by gnomAD. Computational prediction tools and conservation analysis suggest that the Pro1115Ser variant may not impact the protein, though this information is not predictive enough to rule out pathogenicity. In summary, the clinical significance of this variant is uncertain. ACMG/AMP Criteria applied: PM2_Supporting, BP4.

NM_080680.3(COL11A2):c.3343C>T (p.Pro1115Ser)

Gene: COL11A2 (collagen type XI alpha 2 chain; minus strand). Cytogenetic location: 6p21.32.
Variant type: single nucleotide variant.
Coding change: c.3343C>T on transcript NM_080680.3 (MANE Select); coding-DNA position 3343, C replaced by T.
Protein change: p.Pro1115Ser; replaces proline 1115 with serine.
Molecular consequence: missense variant.
Genome position (GRCh38, 1-based): chr6:33,171,137, G>A on the plus strand (C>T on the coding strand, the complement: COL11A2 is on the minus strand). VCF-style: chr6-33171137-G-A. GRCh37 (hg19) VCF-style: chr6-33138914-G-A.
Other names: p.Pro1115Ser; c.3022C>T, p.Pro1008Ser (NM_080679.3); c.3085C>T, p.Pro1029Ser (NM_080681.3); short protein forms P1115S, P1008S, P1029S.
Identifiers: ClinVar variation 930143 (VCV000930143.19), dbSNP rs372806452, ClinGen allele CA3750546.